The following is an entry in ClinVar:

ClinVar aggregate classification (germline): Uncertain significance. Review status: criteria provided, multiple submitters, no conflicts (2 of 4 stars). 3 submissions from 3 submitters: Uncertain significance (2). 1 of the submissions does not count toward it. Last evaluated 2023-07-27.

Conditions:
KIF1A-related disorder. Also called: KIF1A-related disorders; KIF1A-related condition.
Neuropathy, hereditary sensory, type 2C. Also called: KIF1A-Related HSAN2 (HSAN2C); Hereditary sensory and autonomic neuropathy type IIC. Identifiers: Orphanet 970, MedGen C3280168, MONDO:0013634, OMIM 614213.
Intellectual disability, autosomal dominant 9 (NESCAVS). Also called: KIF1A-Related Neurodevelopmental Disorder; NESCAV SYNDROME. Identifiers: Orphanet 662367, MedGen C5393830, MONDO:0013656, OMIM 614255.
Hereditary spastic paraplegia 30. Identifiers: Orphanet 101010, MedGen C5235139, MONDO:0012476.

Allele frequency attached by ClinVar (database versions not stated): ExAC 0.00002; gnomAD exomes 0.00002.
gnomAD v4.1: 14 of 1,605,336 alleles (0.00087%); highest among the groups gnomAD compares: South Asian, 0.0056%; no homozygotes.

Submissions (3):

Labcorp Genetics (formerly Invitae), Labcorp
Classification: Uncertain significance for Hereditary spastic paraplegia 30; Neuropathy, hereditary sensory, type 2C; Intellectual disability, autosomal dominant 9. Last evaluated: 2023-07-27. Review status: criteria provided, single submitter. Criteria: Invitae Variant Classification Sherloc (09022015). Collection method: clinical testing. Allele origin: germline.
Comment: In summary, the available evidence is currently insufficient to determine the role of this variant in disease. Therefore, it has been classified as a Variant of Uncertain Significance. Advanced modeling of protein sequence and biophysical properties (such as structural, functional, and spatial information, amino acid conservation, physicochemical variation, residue mobility, and thermodynamic stability) has been performed at Invitae for this missense variant, however the output from this modeling did not meet the statistical confidence thresholds required to predict the impact of this variant on KIF1A protein function. ClinVar contains an entry for this variant (Variation ID: 1331223). This variant has not been reported in the literature in individuals affected with KIF1A-related conditions. This variant is present in population databases (rs748073694, gnomAD 0.007%). This sequence change replaces aspartic acid, which is acidic and polar, with asparagine, which is neutral and polar, at codon 817 of the KIF1A protein (p.Asp817Asn).

GeneDx
Classification: Uncertain significance. Last evaluated: 2021-07-02. Review status: criteria provided, single submitter. Criteria: GeneDx Variant Classification Process June 2021. Collection method: clinical testing. Allele origin: germline. Affected: yes.
Comment: In silico analysis supports that this missense variant does not alter protein structure/function; Has not been previously published as pathogenic or benign to our knowledge; This variant is associated with the following publications: (PMID: 26125038, 21820098, 21376300, 27535533)

PreventionGenetics, part of Exact Sciences
Classification: Uncertain significance for KIF1A-related condition. Last evaluated: 2023-12-21. Review status: no assertion criteria provided. Collection method: clinical testing. Allele origin: germline. Not counted in ClinVar's aggregate classification.
Comment: The KIF1A c.2476G>A variant is predicted to result in the amino acid substitution p.Asp826Asn. To our knowledge, this variant has not been reported in the literature. This variant is reported in 0.0069% of alleles in individuals of South Asian descent in gnomAD. At this time, the clinical significance of this variant is uncertain due to the absence of conclusive functional and genetic evidence.

NM_001244008.2(KIF1A):c.2476G>A (p.Asp826Asn)

Gene: KIF1A (kinesin family member 1A; minus strand). Cytogenetic location: 2q37.3.
Variant type: single nucleotide variant.
Coding change: c.2476G>A on transcript NM_001244008.2 (MANE Select); coding-DNA position 2476, G replaced by A.
Protein change: p.Asp826Asn; replaces aspartic acid 826 with asparagine.
Molecular consequence: missense variant.
Genome position (GRCh38, 1-based): chr2:240,758,466, C>T on the plus strand (G>A on the coding strand, the complement: KIF1A is on the minus strand). VCF-style: chr2-240758466-C-T. GRCh37 (hg19) VCF-style: chr2-241697883-C-T.
Other names: c.2476G>A, p.Asp826Asn (NM_001320705.2, NM_001330289.2, NM_001379638.1); c.2551G>A, p.Asp851Asn (NM_001330290.2, NM_001379631.1, NM_001379634.1 and 2 more transcripts); c.2449G>A, p.Asp817Asn (NM_001379632.1, NM_001379633.1, NM_001379636.1 and 10 more transcripts); c.2524G>A, p.Asp842Asn (NM_001379637.1, NM_001379648.1); c.2476G>A (NM_001244008.1); short protein forms D817N, D826N, D842N, D851N.
Identifiers: ClinVar variation 1331223 (VCV001331223.10), dbSNP rs748073694, ClinGen allele CA2208090.